The following is an entry in ClinVar:

NM_001374504.1(TMPRSS6):c.1634G>A (p.Arg545Gln)

Gene: TMPRSS6 (transmembrane serine protease 6; minus strand). Cytogenetic location: 22q12.3.
Variant type: single nucleotide variant.
Coding change: c.1634G>A on transcript NM_001374504.1 (MANE Select); coding-DNA position 1634, G replaced by A.
Protein change: p.Arg545Gln; replaces arginine 545 with glutamine.
Molecular consequence: missense variant.
Genome position (GRCh38, 1-based): chr22:37,070,954, C>T on the plus strand (G>A on the coding strand, the complement: TMPRSS6 is on the minus strand). VCF-style: chr22-37070954-C-T. GRCh37 (hg19) VCF-style: chr22-37466994-C-T.
Other names: c.1634G>A, p.Arg545Gln (NM_001289000.2, NM_001289001.2, NM_153609.4); c.1661G>A (NM_153609.3); short protein forms R545Q.
Identifiers: ClinVar variation 903103 (VCV000903103.23), dbSNP rs150953057, ClinGen allele CA10215530.
Genomic context (GRCh38, chr22:37,070,954, plus strand): 5'-CCGGCAGCCAGGCAGGGCTCACCACAGTGCTCCTCATCCGAGCCGTCCCTGCAGTCGGGC[C>T]GCCCATCACACTGCGGGTTGGGCTTCTTCACGCAGCTCCGGTCCTCACACTGGAAGGTGA-3'
Protein context (NP_001361433.1, residues 535-555): VKKPNPQCDG[Arg545Gln]PDCRDGSDEE

ClinVar aggregate classification (germline): Benign/Likely benign. Review status: criteria provided, multiple submitters, no conflicts (2 of 4 stars). 5 submissions from 5 submitters: Benign (4); Likely benign (1). Last evaluated 2025-12-18.

Conditions:
TMPRSS6-related disorder. Also called: TMPRSS6-related condition.
Microcytic anemia. Identifiers: MedGen C5194182, MONDO:0001245, HP:0001935. Disease mechanism: loss of function.

Allele frequency attached by ClinVar (database versions not stated): ESP Exome Variant Server 0.00008; gnomAD 0.00017 and 0.00053; TOPMed 0.00026; gnomAD exomes 0.00067 and 0.00152; ExAC 0.00158; 1000 Genomes Project 30x 0.00265; 1000 Genomes Project 0.00300.

Submissions (5):

Labcorp Genetics (formerly Invitae), Labcorp
Classification: Benign. Last evaluated: 2025-12-18. Review status: criteria provided, single submitter. Criteria: Invitae Variant Classification Sherloc (09022015). Collection method: clinical testing. Allele origin: germline.

PreventionGenetics, part of Exact Sciences
Classification: Benign for TMPRSS6-related condition. Last evaluated: 2025-04-07. Review status: criteria provided, single submitter. Criteria: ACMG Guidelines, 2015. Collection method: clinical testing. Allele origin: germline.
Comment: This variant is classified as benign based on ACMG/AMP sequence variant interpretation guidelines (Richards et al. 2015 PMID: 25741868, with internal and published modifications).

Blueprint Genetics
Classification: Likely benign. Last evaluated: 2024-10-25. Review status: criteria provided, single submitter. Criteria: ACMG Guidelines, 2015. Collection method: clinical testing. Allele origin: germline.

CeGaT Center for Human Genetics Tuebingen
Classification: Benign. Last evaluated: 2024-10-01. Review status: criteria provided, single submitter. Criteria: CeGaT Center For Human Genetics Tuebingen Variant Classification Criteria Version 2. Collection method: clinical testing. Allele origin: germline. Affected: yes. Observed: 1 variant allele.
Comment: TMPRSS6: BP4, BS1, BS2

Illumina Laboratory Services, Illumina
Classification: Benign for Iron-refractory iron deficiency anemia. Last evaluated: 2018-01-12. Review status: criteria provided, single submitter. Criteria: ICSL Variant Classification Criteria 13 December 2019. Collection method: clinical testing. Allele origin: germline.
Comment: This variant was observed in the ICSL laboratory as part of a predisposition screen in an ostensibly healthy population. It had not been previously curated by ICSL or reported in the Human Gene Mutation Database (HGMD: prior to June 1st, 2018), and was therefore a candidate for classification through an automated scoring system. Utilizing variant allele frequency, disease prevalence and penetrance estimates, and inheritance mode, an automated score was calculated to assess if this variant is too frequent to cause the disease. Based on the score and internal cut-off values, a variant classified as benign is not then subjected to further curation. The score for this variant resulted in a classification of benign for this disease.